The following is an entry in ClinVar:

ClinVar aggregate classification (germline): Benign (1 of 4 stars; one submission).

Conditions:
Hypogonadotropic hypogonadism 5 with or without anosmia (KAL5). Also called: HYPOGONADOTROPIC HYPOGONADISM 5 WITH ANOSMIA; HYPOGONADOTROPHIC HYPOGONADISM 5 WITHOUT ANOSMIA; CHD7-Related GnRH Deficiency (Kallmann Syndrome 5). Identifiers: Orphanet 478, MedGen C3552553, MONDO:0012880, OMIM 612370. Disease mechanism: loss of function.

Allele frequency attached by ClinVar (database versions not stated): gnomAD 0.00237 and 0.00238; TOPMed 0.00281; 1000 Genomes Project 0.00519.

Submission:

Illumina Laboratory Services, Illumina
Classification: Benign for Kallmann Syndrome 5. Last evaluated: 2018-01-12. Review status: criteria provided, single submitter. Criteria: ICSL Variant Classification Criteria 13 December 2019. Collection method: clinical testing. Allele origin: germline.
Comment: This variant was observed in the ICSL laboratory as part of a predisposition screen in an ostensibly healthy population. It had not been previously curated by ICSL or reported in the Human Gene Mutation Database (HGMD: prior to June 1st, 2018), and was therefore a candidate for classification through an automated scoring system. Utilizing variant allele frequency, disease prevalence and penetrance estimates, and inheritance mode, an automated score was calculated to assess if this variant is too frequent to cause the disease. Based on the score and internal cut-off values, a variant classified as benign is not then subjected to further curation. The score for this variant resulted in a classification of benign for this disease.

NM_017780.4(CHD7):c.*1495C>T

Gene: CHD7 (chromodomain helicase DNA binding protein 7; plus strand). Cytogenetic location: 8q12.2.
Variant type: single nucleotide variant.
Coding change: c.*1495C>T on transcript NM_017780.4 (MANE Select); 1495 bases downstream of the stop codon, C replaced by T.
Molecular consequence: 3 prime UTR variant.
Genome position (GRCh38, 1-based): chr8:60,867,428, C>T. VCF-style: chr8-60867428-C-T. GRCh37 (hg19) VCF-style: chr8-61779987-C-T.
Other names: c.*1495C>T (NM_001316690.1).
Identifiers: ClinVar variation 363504 (VCV000363504.5), dbSNP rs139790301, ClinGen allele CA10631437.